The following is an entry in ClinVar:

NM_001371928.1(AHDC1):c.1388C>A (p.Thr463Asn)

Gene: AHDC1 (AT-hook DNA binding motif containing 1; minus strand). Cytogenetic location: 1p36.11.
Variant type: single nucleotide variant.
Coding change: c.1388C>A on transcript NM_001371928.1 (MANE Select); coding-DNA position 1388, C replaced by A.
Protein change: p.Thr463Asn; replaces threonine 463 with asparagine.
Molecular consequence: missense variant.
Genome position (GRCh38, 1-based): chr1:27,550,728, G>T on the plus strand (C>A on the coding strand, the complement: AHDC1 is on the minus strand). VCF-style: chr1-27550728-G-T. GRCh37 (hg19) VCF-style: chr1-27877239-G-T.
Other names: c.1388C>A, p.Thr463Asn (NM_001029882.3); short protein forms T463N.
Identifiers: ClinVar variation 4727703 (VCV004727703.1).

ClinVar aggregate classification (germline): Uncertain significance (1 of 4 stars; one submission).

Submission:

Labcorp Genetics (formerly Invitae), Labcorp
Classification: Uncertain significance. Last evaluated: 2025-09-23. Review status: criteria provided, single submitter. Criteria: Invitae Variant Classification Sherloc (09022015). Collection method: clinical testing. Allele origin: germline.
Comment: This sequence change replaces threonine, which is neutral and polar, with asparagine, which is neutral and polar, at codon 463 of the AHDC1 protein (p.Thr463Asn). This variant is not present in population databases (gnomAD no frequency). This variant has not been reported in the literature in individuals affected with AHDC1-related conditions. An algorithm developed to predict the effect of missense changes on protein structure and function (PolyPhen-2) suggests that this variant is likely to be tolerated. In summary, the available evidence is currently insufficient to determine the role of this variant in disease. Therefore, it has been classified as a Variant of Uncertain Significance.